The following is an entry in ClinVar:

NM_001379286.1(ZNF423):c.3068A>G (p.Asn1023Ser)

Gene: ZNF423 (zinc finger protein 423; minus strand). Cytogenetic location: 16q12.1.
Variant type: single nucleotide variant.
Coding change: c.3068A>G on transcript NM_001379286.1 (MANE Select); coding-DNA position 3068, A replaced by G.
Protein change: p.Asn1023Ser; replaces asparagine 1023 with serine.
Molecular consequence: missense variant.
Genome position (GRCh38, 1-based): chr16:49,636,108, T>C on the plus strand (A>G on the coding strand, the complement: ZNF423 is on the minus strand). VCF-style: chr16-49636108-T-C. GRCh37 (hg19) VCF-style: chr16-49670019-T-C.
Other names: c.2864A>G, p.Asn955Ser (NM_001271620.2); c.2693A>G, p.Asn898Ser (NM_001330533.2); c.3044A>G, p.Asn1015Ser (NM_015069.5); c.3044A>G (NM_015069.2); short protein forms N1015S, N1023S, N955S, N898S.
Identifiers: ClinVar variation 2007321 (VCV002007321.5), dbSNP rs2506977711, ClinGen allele CA395840759.

ClinVar aggregate classification (germline): Uncertain significance. Review status: criteria provided, multiple submitters, no conflicts (2 of 4 stars). 2 submissions from 2 submitters: Uncertain significance (2). Last evaluated 2024-04-17.

Conditions:
Nephronophthisis 14 (NPHP14). Identifiers: Orphanet 2318, MedGen C3539071, MONDO:0013916, OMIM 614844.

Submissions (2):

Ambry Genetics
Classification: Uncertain significance. Last evaluated: 2024-04-17. Review status: criteria provided, single submitter. Criteria: Ambry Variant Classification Scheme 2023. Collection method: clinical testing. Allele origin: germline.

Labcorp Genetics (formerly Invitae), Labcorp
Classification: Uncertain significance for Nephronophthisis 14. Last evaluated: 2022-06-22. Review status: criteria provided, single submitter. Criteria: Invitae Variant Classification Sherloc (09022015). Collection method: clinical testing. Allele origin: germline.
Comment: Algorithms developed to predict the effect of missense changes on protein structure and function are either unavailable or do not agree on the potential impact of this missense change (SIFT: "Tolerated"; PolyPhen-2: "Possibly Damaging"; Align-GVGD: "Class C0"). In summary, the available evidence is currently insufficient to determine the role of this variant in disease. Therefore, it has been classified as a Variant of Uncertain Significance. This sequence change replaces asparagine, which is neutral and polar, with serine, which is neutral and polar, at codon 1015 of the ZNF423 protein (p.Asn1015Ser). This variant is not present in population databases (gnomAD no frequency). This variant has not been reported in the literature in individuals affected with ZNF423-related conditions.